The following is an entry in ClinVar:

ClinVar aggregate classification (germline): Uncertain significance (1 of 4 stars; one submission).

Conditions:
Hereditary pancreatitis (PCTT). Also called: Hereditary chronic pancreatitis; PRSS1-Related Hereditary Pancreatitis. Identifiers: Orphanet 676, MedGen C0238339, MONDO:0008185, OMIM 167800.

Submission:

Ambry Genetics
Classification: Uncertain significance for Hereditary pancreatitis. Last evaluated: 2026-02-23. Review status: criteria provided, single submitter. Criteria: Ambry Variant Classification Scheme 2023. Collection method: clinical testing. Allele origin: germline.
Comment: The p.P322L variant (also known as c.965C>T), located in coding exon 8 of the CPA1 gene, results from a C to T substitution at nucleotide position 965. The proline at codon 322 is replaced by leucine, an amino acid with similar properties. This amino acid position is conserved. In addition, this alteration is predicted to be tolerated by in silico analysis. Based on the available evidence, the clinical significance of this variant remains unclear.

NM_001868.4(CPA1):c.965C>T (p.Pro322Leu)

Gene: CPA1 (carboxypeptidase A1; plus strand). Cytogenetic location: 7q32.2.
Variant type: single nucleotide variant.
Coding change: c.965C>T on transcript NM_001868.4 (MANE Select); coding-DNA position 965, C replaced by T.
Protein change: p.Pro322Leu; replaces proline 322 with leucine.
Molecular consequence: missense variant.
Genome position (GRCh38, 1-based): chr7:130,385,323, C>T. VCF-style: chr7-130385323-C-T. GRCh37 (hg19) VCF-style: chr7-130025164-C-T.
Other names: short protein forms P322L.
Identifiers: ClinVar variation 4825900 (VCV004825900.1).